The following is an entry in ClinVar:

ClinVar aggregate classification (germline): Uncertain significance (1 of 4 stars; one submission).

Conditions:
Early-infantile DEE. Also called: Ohtahara syndrome; Early infantile epileptic encephalopathy with suppression bursts; Early infantile epileptic encephalopathy. Identifiers: Orphanet 1934, MedGen C0393706, MONDO:0800491.

Submission:

Labcorp Genetics (formerly Invitae), Labcorp
Classification: Uncertain significance for Early-infantile DEE. Last evaluated: 2022-08-06. Review status: criteria provided, single submitter. Criteria: Invitae Variant Classification Sherloc (09022015). Collection method: clinical testing. Allele origin: germline.
Comment: Advanced modeling of protein sequence and biophysical properties (such as structural, functional, and spatial information, amino acid conservation, physicochemical variation, residue mobility, and thermodynamic stability) performed at Invitae indicates that this missense variant is not expected to disrupt HCN1 protein function. This variant has not been reported in the literature in individuals affected with HCN1-related conditions. This variant is not present in population databases (gnomAD no frequency). This sequence change replaces threonine, which is neutral and polar, with asparagine, which is neutral and polar, at codon 129 of the HCN1 protein (p.Thr129Asn). In summary, the available evidence is currently insufficient to determine the role of this variant in disease. Therefore, it has been classified as a Variant of Uncertain Significance.

NM_021072.4(HCN1):c.386C>A (p.Thr129Asn)

Gene: HCN1 (hyperpolarization activated cyclic nucleotide gated potassium channel 1; minus strand). Cytogenetic location: 5p12.
Variant type: single nucleotide variant.
Coding change: c.386C>A on transcript NM_021072.4 (MANE Select); coding-DNA position 386, C replaced by A.
Protein change: p.Thr129Asn; replaces threonine 129 with asparagine.
Molecular consequence: missense variant.
Genome position (GRCh38, 1-based): chr5:45,695,708, G>T on the plus strand (C>A on the coding strand, the complement: HCN1 is on the minus strand). VCF-style: chr5-45695708-G-T. GRCh37 (hg19) VCF-style: chr5-45695810-G-T.
Other names: short protein forms T129N.
Identifiers: ClinVar variation 2038192 (VCV002038192.4), dbSNP rs2478643562, ClinGen allele CA359706124.